The following is an entry in ClinVar:

NM_001384732.1(CPLANE1):c.8921G>A (p.Gly2974Glu)

Gene: CPLANE1 (ciliogenesis and planar polarity effector complex subunit 1; minus strand). Cytogenetic location: 5p13.2.
Variant type: single nucleotide variant.
Coding change: c.8921G>A on transcript NM_001384732.1 (MANE Select); coding-DNA position 8921, G replaced by A.
Protein change: p.Gly2974Glu; replaces glycine 2974 with glutamic acid.
Molecular consequence: missense variant.
Genome position (GRCh38, 1-based): chr5:37,125,281, C>T on the plus strand (G>A on the coding strand, the complement: CPLANE1 is on the minus strand). VCF-style: chr5-37125281-C-T. GRCh37 (hg19) VCF-style: chr5-37125383-C-T.
Other names: c.8759G>A, p.Gly2920Glu (NM_023073.4); c.8759G>A (NM_023073.3); short protein forms G2974E, G2920E.
Identifiers: ClinVar variation 2076678 (VCV002076678.3), dbSNP rs776510943, ClinGen allele CA117059185.
Genomic context (GRCh38, chr5:37,125,281, plus strand): 5'-TACCCTTGACATGGCAGACTTACTGGATTGCTTCTGGGACAGAAAGGATCATGTTCTTGC[C>T]CTCTCTTTTCTGCCAGCTCATTTAAGTACTTTGCCATTCTTTCTTTTCGTTTTCTTTTCA-3'
Protein context (NP_001371661.1, residues 2964-2984): KYLNELAEKR[Gly2974Glu]QEHDPFCPRS

ClinVar aggregate classification (germline): Uncertain significance. Review status: criteria provided, multiple submitters, no conflicts (2 of 4 stars). 3 submissions from 3 submitters: Uncertain significance (3). Last evaluated 2024-05-31.

Conditions:
Orofaciodigital syndrome type 6 (OFD6). Also called: OROFACIODIGITAL SYNDROME VI; OFDS VI; POLYDACTYLY, CLEFT LIP/PALATE OR LINGUAL LUMP, AND PSYCHOMOTOR RETARDATION; VARADI SYNDROME; VARADI-PAPP SYNDROME; Oral-facial-digital syndrome type 6. Identifiers: Orphanet 2754, MedGen C2745997, MONDO:0010176, OMIM 277170.
Joubert syndrome 17 (JBTS17). Identifiers: Orphanet 475, MedGen C3553264, MONDO:0013824, OMIM 614615.

Allele frequency attached by ClinVar (database versions not stated): gnomAD exomes below 0.00001; TOPMed below 0.00001.
gnomAD v4.1: 3 of 1,613,860 alleles (0.00019%); highest among the groups gnomAD compares: Non-Finnish European, 0.00025%; no homozygotes.

Submissions (3):

Fulgent Genetics
Classification: Uncertain significance for Orofaciodigital syndrome type 6; Joubert syndrome 17. Last evaluated: 2024-05-31. Review status: criteria provided, single submitter. Criteria: ACMG Guidelines, 2015. Collection method: clinical testing. Allele origin: germline.

Blueprint Genetics
Classification: Uncertain significance. Last evaluated: 2023-10-27. Review status: criteria provided, single submitter. Criteria: ACMG Guidelines, 2015. Collection method: clinical testing. Allele origin: germline.

Labcorp Genetics (formerly Invitae), Labcorp
Classification: Uncertain significance. Last evaluated: 2022-04-12. Review status: criteria provided, single submitter. Criteria: Invitae Variant Classification Sherloc (09022015). Collection method: clinical testing. Allele origin: germline.
Comment: This sequence change replaces glycine, which is neutral and non-polar, with glutamic acid, which is acidic and polar, at codon 2920 of the CPLANE1 protein (p.Gly2920Glu). This variant is not present in population databases (gnomAD no frequency). This variant has not been reported in the literature in individuals affected with CPLANE1-related conditions. Advanced modeling of protein sequence and biophysical properties (such as structural, functional, and spatial information, amino acid conservation, physicochemical variation, residue mobility, and thermodynamic stability) performed at Invitae indicates that this missense variant is not expected to disrupt CPLANE1 protein function. In summary, the available evidence is currently insufficient to determine the role of this variant in disease. Therefore, it has been classified as a Variant of Uncertain Significance.